The following is an entry in ClinVar:

NM_014141.6(CNTNAP2):c.208+3A>G

Gene: CNTNAP2 (contactin associated protein 2; plus strand). Cytogenetic location: 7q35.
Variant type: single nucleotide variant.
Coding change: c.208+3A>G on transcript NM_014141.6 (MANE Select); 3 bases into the intron after coding-DNA position 208, A replaced by G.
Molecular consequence: intron variant.
Genome position (GRCh38, 1-based): chr7:146,774,384, A>G. VCF-style: chr7-146774384-A-G. GRCh37 (hg19) VCF-style: chr7-146471476-A-G.
Identifiers: ClinVar variation 2110047 (VCV002110047.4), dbSNP rs2485547576, ClinGen allele CA2580077643.

ClinVar aggregate classification (germline): Uncertain significance (1 of 4 stars; one submission).

Conditions:
Cortical dysplasia-focal epilepsy syndrome (PTHSL1). Also called: Pitt-Hopkins-like syndrome 1. Identifiers: Orphanet 163681, Orphanet 221150, MedGen C2750246, MONDO:0012400, OMIM 610042.

Submission:

Labcorp Genetics (formerly Invitae), Labcorp
Classification: Uncertain significance for Cortical dysplasia-focal epilepsy syndrome. Last evaluated: 2022-03-14. Review status: criteria provided, single submitter. Criteria: Invitae Variant Classification Sherloc (09022015). Collection method: clinical testing. Allele origin: germline.
Comment: In summary, the available evidence is currently insufficient to determine the role of this variant in disease. Therefore, it has been classified as a Variant of Uncertain Significance. Variants that disrupt the consensus splice site are a relatively common cause of aberrant splicing (PMID: 17576681, 9536098). Algorithms developed to predict the effect of sequence changes on RNA splicing suggest that this variant is not likely to affect RNA splicing. This variant has not been reported in the literature in individuals affected with CNTNAP2-related conditions. This variant is not present in population databases (gnomAD no frequency). This sequence change falls in intron 2 of the CNTNAP2 gene. It does not directly change the encoded amino acid sequence of the CNTNAP2 protein. It affects a nucleotide within the consensus splice site.

Literature cited by the submitters: PubMed 17576681; PubMed 9536098.